The following is an entry in ClinVar:

ClinVar aggregate classification (germline): Uncertain significance (1 of 4 stars; one submission).

Allele frequency attached by ClinVar (database versions not stated): TOPMed below 0.00001.
gnomAD v4.1: 2 of 1,611,808 alleles (0.00012%); highest among the groups gnomAD compares: South Asian, 0.0011%; no homozygotes.

Submission:

Ambry Genetics
Classification: Uncertain significance. Last evaluated: 2023-03-24. Review status: criteria provided, single submitter. Criteria: Ambry Variant Classification Scheme 2023. Collection method: clinical testing. Allele origin: germline.
Comment: The p.I631N variant (also known as c.1892T>A), located in coding exon 17 of the RAD54L gene, results from a T to A substitution at nucleotide position 1892. The isoleucine at codon 631 is replaced by asparagine, an amino acid with dissimilar properties. This amino acid position is conserved. In addition, the in silico prediction for this alteration is inconclusive. Since supporting evidence is limited at this time, the clinical significance of this alteration remains unclear.

NM_003579.4(RAD54L):c.1892T>A (p.Ile631Asn)

Genes: LRRC41 (leucine rich repeat containing 41; minus strand), RAD54L (RAD54 like; plus strand). Cytogenetic location: 1p34.1.
Variant type: single nucleotide variant.
Coding change: c.1892T>A on transcript NM_003579.4 (MANE Select); coding-DNA position 1892, T replaced by A.
Protein change: p.Ile631Asn; replaces isoleucine 631 with asparagine.
Molecular consequence: missense variant. On other transcripts: 3 prime UTR variant (1).
Genome position (GRCh38, 1-based): chr1:46,277,839, T>A. VCF-style: chr1-46277839-T-A. GRCh37 (hg19) VCF-style: chr1-46743511-T-A.
Other names: c.*1026A>T (NM_006369.5); c.1892T>A, p.Ile631Asn (NM_001142548.2); c.1352T>A, p.Ile451Asn (NM_001370766.1); short protein forms I451N, I631N.
Identifiers: ClinVar variation 2561507 (VCV002561507.2), dbSNP rs1660659510, ClinGen allele CA340188983.
Genomic context (GRCh38, chr1:46,277,839, plus strand): 5'-GCTGTATCTTTTGACATTCCCCACCTCCTCTTCCCCAGGCAGGGACCATTGAGGAGAAGA[T>A]CTTCCAGCGTCAGAGCCACAAGAAGGCACTGAGCAGCTGTGTGGTGGATGAGGAGCAGGA-3'
Protein context (NP_003570.2, residues 621-641): LLSAGTIEEK[Ile631Asn]FQRQSHKKAL